The following is an entry in ClinVar:

ClinVar aggregate classification (germline): Likely benign. Review status: criteria provided, multiple submitters, no conflicts (2 of 4 stars). 2 submissions from 2 submitters: Likely benign (2). Last evaluated 2026-06-01.

gnomAD v4.1: 45 of 1,613,662 alleles (0.0028%); highest among the groups gnomAD compares: Middle Eastern, 0.016%; no homozygotes.

Submissions (2):

CeGaT Center for Human Genetics Tuebingen
Classification: Likely benign. Last evaluated: 2026-06-01. Review status: criteria provided, single submitter. Criteria: CeGaT Center For Human Genetics Tuebingen Variant Classification Criteria Version 2. Collection method: clinical testing. Allele origin: germline. Affected: yes. Observed: 1 variant allele.
Comment: RERE: BP4, BP7

Labcorp Genetics (formerly Invitae), Labcorp
Classification: Likely benign. Last evaluated: 2025-12-31. Review status: criteria provided, single submitter. Criteria: Invitae Variant Classification Sherloc (09022015). Collection method: clinical testing. Allele origin: germline.

NM_001042681.2(RERE):c.174C>T (p.Asp58=)

Gene: RERE (arginine-glutamic acid dipeptide repeats; minus strand). Cytogenetic location: 1p36.23.
Variant type: single nucleotide variant.
Coding change: c.174C>T on transcript NM_001042681.2 (MANE Select); coding-DNA position 174, C replaced by T.
Protein change: p.Asp58=; no amino-acid change (aspartic acid 58 retained).
Molecular consequence: synonymous variant.
Genome position (GRCh38, 1-based): chr1:8,656,124, G>A on the plus strand (C>T on the coding strand, the complement: RERE is on the minus strand). VCF-style: chr1-8656124-G-A. GRCh37 (hg19) VCF-style: chr1-8716183-G-A.
Other names: c.174C>T, p.Asp58= (NM_012102.4).
Identifiers: ClinVar variation 4747953 (VCV004747953.3).